The following is an entry in ClinVar:

ClinVar aggregate classification (germline): Likely benign. Review status: criteria provided, single submitter (1 of 4 stars). 2 submissions from 2 submitters: Likely benign (1). 1 of the submissions does not count toward it. Last evaluated 2024-01-01.

Conditions:
CSMD1-related disorder. Also called: CSMD1-related condition.

Allele frequency attached by ClinVar (database versions not stated): TOPMed 0.00028; ESP Exome Variant Server 0.00031; ExAC 0.00056.
gnomAD v4.1: 837 of 1,602,848 alleles (0.052%); highest among the groups gnomAD compares: Non-Finnish European, 0.069%; 1 homozygote.

Submissions (2):

CeGaT Center for Human Genetics Tuebingen
Classification: Likely benign. Last evaluated: 2024-01-01. Review status: criteria provided, single submitter. Criteria: CeGaT Center For Human Genetics Tuebingen Variant Classification Criteria Version 2. Collection method: clinical testing. Allele origin: germline. Affected: yes. Observed: 1 variant allele.
Comment: CSMD1: BP4, BP7

PreventionGenetics, part of Exact Sciences
Classification: Likely benign for CSMD1-related condition. Last evaluated: 2019-09-05. Review status: no assertion criteria provided. Collection method: clinical testing. Allele origin: germline. Not counted in ClinVar's aggregate classification.
Comment: This variant is classified as likely benign based on ACMG/AMP sequence variant interpretation guidelines (Richards et al. 2015 PMID: 25741868, with internal and published modifications).

NM_033225.6(CSMD1):c.684C>T (p.Tyr228=)

Gene: CSMD1 (CUB and Sushi multiple domains 1; minus strand). Cytogenetic location: 8p23.2.
Variant type: single nucleotide variant.
Coding change: c.684C>T on transcript NM_033225.6 (MANE Select); coding-DNA position 684, C replaced by T.
Protein change: p.Tyr228=; no amino-acid change (tyrosine 228 retained).
Molecular consequence: synonymous variant.
Genome position (GRCh38, 1-based): chr8:3,998,037, G>A on the plus strand (C>T on the coding strand, the complement: CSMD1 is on the minus strand). VCF-style: chr8-3998037-G-A. GRCh37 (hg19) VCF-style: chr8-3855559-G-A.
Other names: c.684C>T (NM_033225.5).
Identifiers: ClinVar variation 3025359 (VCV003025359.23), dbSNP rs372509834, ClinGen allele CA4609486.